The following is an entry in ClinVar:

NM_001256789.3(CACNA1F):c.2928+3A>T

Gene: CACNA1F (calcium voltage-gated channel subunit alpha1 F; minus strand). Cytogenetic location: Xp11.23.
Variant type: single nucleotide variant.
Coding change: c.2928+3A>T on transcript NM_001256789.3 (MANE Select); 3 bases into the intron after coding-DNA position 2928, A replaced by T.
Molecular consequence: intron variant.
Genome position (GRCh38, 1-based): chrX:49,218,452, T>A on the plus strand (A>T on the coding strand, the complement: CACNA1F is on the minus strand). VCF-style: chrX-49218452-T-A. GRCh37 (hg19) VCF-style: chrX-49074911-T-A.
Other names: c.2961+3A>T (NM_005183.4); c.2766+3A>T (NM_001256790.3).
Identifiers: ClinVar variation 1959638 (VCV001959638.5), dbSNP rs113600574, ClinGen allele CA10410582.

ClinVar aggregate classification (germline): Uncertain significance (1 of 4 stars; one submission).

Allele frequency attached by ClinVar (database versions not stated): gnomAD exomes below 0.00001; TOPMed 0.00002.

Submission:

Labcorp Genetics (formerly Invitae), Labcorp
Classification: Uncertain significance. Last evaluated: 2024-10-03. Review status: criteria provided, single submitter. Criteria: Invitae Variant Classification Sherloc (09022015). Collection method: clinical testing. Allele origin: germline.
Comment: This sequence change falls in intron 24 of the CACNA1F gene. It does not directly change the encoded amino acid sequence of the CACNA1F protein. It affects a nucleotide within the consensus splice site. This variant is present in population databases (rs113600574, gnomAD 0.02%). This variant has not been reported in the literature in individuals affected with CACNA1F-related conditions. ClinVar contains an entry for this variant (Variation ID: 1959638). Variants that disrupt the consensus splice site are a relatively common cause of aberrant splicing (PMID: 17576681, 9536098). Algorithms developed to predict the effect of sequence changes on RNA splicing suggest that this variant may disrupt the consensus splice site. In summary, the available evidence is currently insufficient to determine the role of this variant in disease. Therefore, it has been classified as a Variant of Uncertain Significance.

Literature cited by the submitters: PubMed 17576681; PubMed 9536098.